The following is an entry in ClinVar:

NM_000051.4(ATM):c.9073G>A (p.Val3025Met)

Genes: ATM (ATM serine/threonine kinase; plus strand), C11orf65 (chromosome 11 open reading frame 65; minus strand). Cytogenetic location: 11q22.3.
Variant type: single nucleotide variant.
Coding change: c.9073G>A on transcript NM_000051.4 (MANE Select); coding-DNA position 9073, G replaced by A.
Protein change: p.Val3025Met; replaces valine 3025 with methionine.
Molecular consequence: missense variant. On other transcripts: intron variant (2).
Genome position (GRCh38, 1-based): chr11:108,365,410, G>A. VCF-style: chr11-108365410-G-A. GRCh37 (hg19) VCF-style: chr11-108236137-G-A.
Other names: c.9073G>A, p.Val3025Met (NM_001351834.2); c.640+20510C>T (NM_001330368.2); c.694+20510C>T (NM_001351110.2); short protein forms V3025M.
Identifiers: ClinVar variation 482681 (VCV000482681.20), dbSNP rs1555151925, ClinGen allele CA382531702.

ClinVar aggregate classification (germline): Uncertain significance. Review status: criteria provided, multiple submitters, no conflicts (2 of 4 stars). 5 submissions from 5 submitters: Uncertain significance (5). Last evaluated 2025-06-23.

Conditions:
Hereditary cancer-predisposing syndrome. Also called: Neoplastic Syndromes, Hereditary; Hereditary Cancer Syndrome; Tumor predisposition; Hereditary neoplastic syndrome. Identifiers: Orphanet 140162, MedGen C0027672, MeSH D009386, MONDO:0015356.
Ataxia-telangiectasia syndrome (AT). Also called: LOUIS-BAR SYNDROME; Cerebello-oculocutaneous telangiectasia; Immunodeficiency with ataxia telangiectasia; Ataxia-telangiectasia, complementation group D; AT, COMPLEMENTATION GROUP C; Ataxia-telangiectasia, complementation group E. Identifiers: Orphanet 100, MedGen C0004135, MONDO:0008840, OMIM 208900.

Allele frequency attached by ClinVar (database versions not stated): gnomAD exomes below 0.00001.
gnomAD v4.1: 1 of 1,614,210 alleles (0.000062%); highest among the groups gnomAD compares: Non-Finnish European, 0.000085%; no homozygotes.

Submissions (5):

Labcorp Genetics (formerly Invitae), Labcorp
Classification: Uncertain significance for Ataxia-telangiectasia syndrome. Last evaluated: 2025-06-23. Review status: criteria provided, single submitter. Criteria: Invitae Variant Classification Sherloc (09022015). Collection method: clinical testing. Allele origin: germline.
Comment: This sequence change replaces valine, which is neutral and non-polar, with methionine, which is neutral and non-polar, at codon 3025 of the ATM protein (p.Val3025Met). This variant is not present in population databases (gnomAD no frequency). This variant has not been reported in the literature in individuals affected with ATM-related conditions. ClinVar contains an entry for this variant (Variation ID: 482681). Invitae Evidence Modeling of protein sequence and biophysical properties (such as structural, functional, and spatial information, amino acid conservation, physicochemical variation, residue mobility, and thermodynamic stability) indicates that this missense variant is not expected to disrupt ATM protein function with a negative predictive value of 95%. In summary, the available evidence is currently insufficient to determine the role of this variant in disease. Therefore, it has been classified as a Variant of Uncertain Significance.

Ambry Genetics
Classification: Uncertain significance for Hereditary cancer-predisposing syndrome. Last evaluated: 2024-06-19. Review status: criteria provided, single submitter. Criteria: Ambry Variant Classification Scheme 2023. Collection method: clinical testing. Allele origin: germline.
Comment: The p.V3025M variant (also known as c.9073G>A), located in coding exon 62 of the ATM gene, results from a G to A substitution at nucleotide position 9073. The valine at codon 3025 is replaced by methionine, an amino acid with highly similar properties. This amino acid position is highly conserved in available vertebrate species. In addition, the in silico prediction for this alteration is inconclusive. Based on the available evidence, the clinical significance of this variant remains unclear.

Athena Diagnostics
Classification: Uncertain significance. Last evaluated: 2024-04-11. Review status: criteria provided, single submitter. Criteria: Athena Diagnostics Criteria. Collection method: clinical testing. Allele origin: unknown.
Comment: Available data are insufficient to determine the clinical significance of the variant at this time. This variant has not been reported in large, multi-ethnic general populations. Computational tools disagree on the variant's effect on normal protein function.

Color Diagnostics, LLC DBA Color Health
Classification: Uncertain significance for Hereditary cancer-predisposing syndrome. Last evaluated: 2024-03-06. Review status: criteria provided, single submitter. Criteria: ACMG Guidelines, 2015. Collection method: clinical testing. Allele origin: germline.
Comment: This missense variant replaces valine with methionine at codon 3025 of the ATM protein. Computational prediction suggests that this variant may not impact protein structure and function (internally defined REVEL score threshold <= 0.5, PMID: 27666373). To our knowledge, functional studies have not been reported for this variant. This variant has not been reported in individuals affected with hereditary cancer in the literature. This variant has not been identified in the general population by the Genome Aggregation Database (gnomAD). The available evidence is insufficient to determine the role of this variant in disease conclusively. Therefore, this variant is classified as a Variant of Uncertain Significance.

AiLife Diagnostics
Classification: Uncertain significance. Last evaluated: 2020-05-12. Review status: criteria provided, single submitter. Criteria: ACMG Guidelines, 2015. Collection method: clinical testing. Allele origin: germline. Affected: yes. Observed: 1 variant allele.